The following is an entry in ClinVar:

NM_001005242.3(PKP2):c.2428C>T (p.His810Tyr)

Gene: PKP2 (plakophilin 2; minus strand). Cytogenetic location: 12p11.21.
Variant type: single nucleotide variant.
Coding change: c.2428C>T on transcript NM_001005242.3 (MANE Select); coding-DNA position 2428, C replaced by T.
Protein change: p.His810Tyr; replaces histidine 810 with tyrosine.
Molecular consequence: missense variant.
Genome position (GRCh38, 1-based): chr12:32,792,661, G>A on the plus strand (C>T on the coding strand, the complement: PKP2 is on the minus strand). VCF-style: chr12-32792661-G-A. GRCh37 (hg19) VCF-style: chr12-32945595-G-A.
Other names: c.2560C>T, p.His854Tyr (NM_004572.4); c.2428C>T (NM_001005242.2); short protein forms H854Y, H810Y.
Identifiers: ClinVar variation 45073 (VCV000045073.22), dbSNP rs397517023, ClinGen allele CA012186.
Genomic context (GRCh38, chr12:32,792,661, plus strand): 5'-CTGGCTCTGTTAACTATGACACATTCCTTGTTCATGTTCTTACCTTCTTGTAGGCATGAT[G>A]CAGTTCCGTGTGTGCCCACAGAGAATACAGAAGGACGGAAGCAGCTTTACTTGCTTTGTT-3'
Protein context (NP_001005242.2, residues 800-820): LYSLWAHTEL[His810Tyr]HAYKKAQFKK

ClinVar aggregate classification (germline): Uncertain significance. Review status: criteria provided, multiple submitters, no conflicts (2 of 4 stars). 9 submissions from 9 submitters: Uncertain significance (9). Last evaluated 2026-09-21.

Conditions:
PKP2-related disorder. Also called: PKP2-related condition.
Cardiovascular phenotype. Identifiers: MedGen CN230736.
Arrhythmogenic right ventricular cardiomyopathy (ARVD). Also called: Arrhythmogenic cardiomyopathy; Arrhythmogenic Right Ventricular Cardiomyopathy (ARVC); Cardiomyopathy, ARVC; Arrhythmogenic right ventricular dysplasia. Identifiers: Orphanet 247, MedGen C0349788, MeSH D019571, MONDO:0016587. Disease mechanism: loss of function. Inheritance: Various modes of inheritance.
Cardiomyopathy (CMYO). Also called: Cardiomyopathies. Identifiers: Orphanet 167848, MedGen C0878544, MONDO:0004994, HP:0001638. Inheritance: Various modes of inheritance.
Arrhythmogenic right ventricular dysplasia 9 (ARVD9). Also called: Arrhythmogenic Right Ventricular Dysplasia/Cardiomyopathy 9; ARRHYTHMOGENIC RIGHT VENTRICULAR DYSPLASIA, FAMILIAL, 9. Identifiers: MedGen C1836906, MONDO:0012180, OMIM 609040.

Allele frequency attached by ClinVar (database versions not stated): TOPMed 0.00002; gnomAD exomes 0.00004 and 0.00002; gnomAD 0.00001; ExAC 0.00002.
gnomAD v4.1: 60 of 1,613,578 alleles (0.0037%); highest among the groups gnomAD compares: Non-Finnish European, 0.0046%; no homozygotes.

Submissions (9):

Molecular Diagnostic Laboratory for Inherited Cardiovascular Disease, Montreal Heart Institute
Classification: Uncertain significance for Cardiovascular phenotype. Last evaluated: 2026-09-21. Review status: criteria provided, single submitter. Criteria: ACMG Guidelines, 2015. Collection method: clinical testing. Allele origin: germline. Affected: yes.
Comment: PS4_supp, PM2

PreventionGenetics, part of Exact Sciences
Classification: Uncertain significance for PKP2-related condition. Last evaluated: 2026-08-05. Review status: criteria provided, single submitter. Criteria: ACMG Guidelines, 2015. Collection method: clinical testing. Allele origin: germline.
Comment: The PKP2 c.2560C>T variant is predicted to result in the amino acid substitution p.His854Tyr. This variant has been reported in individuals with arrhythmogenic right ventricular dysplasia and/or sudden cardiac death (Cann et al. 2017. PubMed ID: 27000522; Supplementary Table, Dries et al. 2021. PubMed ID: 34120153; Kotta et al. 2023. PubMed ID: 37589201). This variant is reported in 0.0046% of alleles in individuals of European (Non-Finnish) descent in gnomAD. At this time, the clinical significance of this variant is uncertain due to the absence of conclusive functional and genetic evidence.

Labcorp Genetics (formerly Invitae), Labcorp
Classification: Uncertain significance for Arrhythmogenic right ventricular dysplasia 9. Last evaluated: 2026-01-22. Review status: criteria provided, single submitter. Criteria: Invitae Variant Classification Sherloc (09022015). Collection method: clinical testing. Allele origin: germline.
Comment: This sequence change replaces histidine, which is basic and polar, with tyrosine, which is neutral and polar, at codon 854 of the PKP2 protein (p.His854Tyr). This variant is present in population databases (rs397517023, gnomAD 0.003%). This missense change has been observed in individual(s) with cardiomyopathy (PMID: 27000522). ClinVar contains an entry for this variant (Variation ID: 45073). An algorithm developed to predict the effect of missense changes on protein structure and function (PolyPhen-2) suggests that this variant is likely to be disruptive. In summary, the available evidence is currently insufficient to determine the role of this variant in disease. Therefore, it has been classified as a Variant of Uncertain Significance.

All of Us Research Program, National Institutes of Health
Classification: Uncertain significance for Arrhythmogenic right ventricular cardiomyopathy. Last evaluated: 2024-08-13. Review status: criteria provided, single submitter. Criteria: ACMG Guidelines, 2015. Collection method: clinical testing. Allele origin: germline. Inheritance: Autosomal dominant inheritance. Observed: 16 variant alleles, 16 heterozygotes.
Comment: This missense variant replaces histidine with tyrosine at codon 854 of the PKP2 protein. Computational prediction suggests that this variant may not impact protein structure and function (internally defined REVEL score threshold <= 0.5, PMID: 27666373). To our knowledge, functional studies have not been reported for this variant. This variant has been reported in an individual affected with arrhythmogenic right ventricular cardiomyopathy and sudden death (PMID:27000522), in another individual affected with sudden infant death syndrome (PMID: 37589201), and in three unaffected family members (PMID:27000522). This variant has been identified in 7/282850 chromosomes in the general population by the Genome Aggregation Database (gnomAD). The available evidence is insufficient to determine the role of this variant in disease conclusively. Therefore, this variant is classified as a Variant of Uncertain Significance.

This study involves interpretation of variants in research participants for the purpose of population health screening. Participant phenotype was not available at the time of variant classification. Additional details can be found in publication PMID: 35346344, PMCID: PMC8962531

GeneDx
Classification: Uncertain significance. Last evaluated: 2024-07-24. Review status: criteria provided, single submitter. Criteria: GeneDx Variant Classification Process June 2021. Collection method: clinical testing. Allele origin: germline. Affected: yes.
Comment: Identified in patients with ARVC and sudden cardiac death or sudden unexplained death (PMID: 27000522, 34120153, 37589201); In silico analysis supports that this missense variant has a deleterious effect on protein structure/function; This variant is associated with the following publications: (PMID: 34120153, 37589201, 27000522)

Color Diagnostics, LLC DBA Color Health
Classification: Uncertain significance for Cardiomyopathy. Last evaluated: 2024-06-13. Review status: criteria provided, single submitter. Criteria: ACMG Guidelines, 2015. Collection method: clinical testing. Allele origin: germline.
Comment: This missense variant replaces histidine with tyrosine at codon 854 of the PKP2 protein. Computational prediction suggests that this variant may not impact protein structure and function (internally defined REVEL score threshold <= 0.5, PMID: 27666373). To our knowledge, functional studies have not been reported for this variant. This variant has been reported in an individual affected with arrhythmogenic right ventricular cardiomyopathy and sudden death (PMID:27000522), in another individual affected with sudden infant death syndrome (PMID: 37589201), and in three unaffected family members (PMID:27000522). This variant has been identified in 7/282850 chromosomes in the general population by the Genome Aggregation Database (gnomAD). The available evidence is insufficient to determine the role of this variant in disease conclusively. Therefore, this variant is classified as a Variant of Uncertain Significance.

Ambry Genetics
Classification: Uncertain significance for Cardiovascular phenotype. Last evaluated: 2023-01-31. Review status: criteria provided, single submitter. Criteria: Ambry General Variant Classification Scheme_2022. Collection method: clinical testing. Allele origin: germline.
Comment: The p.H854Y variant (also known as c.2560C>T), located in coding exon 13 of the PKP2 gene, results from a C to T substitution at nucleotide position 2560. The histidine at codon 854 is replaced by tyrosine, an amino acid with similar properties. This alteration has been reported in a sudden unexplained death cohort and an arrhythmogenic right ventricular cardiomyopathy (ARVC) cohort; however, clinical details were limited in both cases (Cann F et al. Clin Genet, 2017 Jan;91:22-29; Dries AM et al. Genet Med, 2021 Oct;23:1961-1968). This amino acid position is highly conserved in available vertebrate species. In addition, the in silico prediction for this alteration is inconclusive. Since supporting evidence is limited at this time, the clinical significance of this alteration remains unclear.

Fulgent Genetics
Classification: Uncertain significance for Arrhythmogenic right ventricular dysplasia 9. Last evaluated: 2021-12-23. Review status: criteria provided, single submitter. Criteria: ACMG Guidelines, 2015. Collection method: clinical testing. Allele origin: unknown.

Laboratory for Molecular Medicine, Mass General Brigham Personalized Medicine
Classification: Uncertain significance. Last evaluated: 2015-03-06. Review status: criteria provided, single submitter. Criteria: LMM Criteria. Collection method: clinical testing. Allele origin: germline. Observed: 1 variant allele.
Comment: proposed classification - variant undergoing re-assessment, contact laboratory

Literature cited by the submitters: PubMed 27000522 (cited by 4 submitters); PubMed 37589201 (cited by All of Us Research Program, National Institutes of Health and Color Diagnostics, LLC DBA Color Health); PubMed 34120153 (cited by Ambry Genetics).